The following is an entry in ClinVar:

NM_001182.5(ALDH7A1):c.686C>T (p.Ala229Val)

Gene: ALDH7A1 (aldehyde dehydrogenase 7 family member A1; minus strand). Cytogenetic location: 5q23.2.
Variant type: single nucleotide variant.
Coding change: c.686C>T on transcript NM_001182.5 (MANE Select); coding-DNA position 686, C replaced by T.
Protein change: p.Ala229Val; replaces alanine 229 with valine.
Molecular consequence: missense variant.
Genome position (GRCh38, 1-based): chr5:126,575,429, G>A on the plus strand (C>T on the coding strand, the complement: ALDH7A1 is on the minus strand). VCF-style: chr5-126575429-G-A. GRCh37 (hg19) VCF-style: chr5-125911121-G-A.
Other names: c.602C>T, p.Ala201Val (NM_001201377.2); c.686C>T, p.Ala229Val (NM_001202404.2); short protein forms A229V, A201V.
Identifiers: ClinVar variation 465332 (VCV000465332.8), dbSNP rs1473102872, ClinGen allele CA360730374.

ClinVar aggregate classification (germline): Uncertain significance (1 of 4 stars; one submission).

Conditions:
Pyridoxine-dependent epilepsy (EPEO4). Also called: Pyridoxine-Dependent Seizures; PYRIDOXINE DEPENDENCY WITH SEIZURES; EPILEPSY, EARLY-ONSET, 4, VITAMIN B6-DEPENDENT; Pyridoxine-Dependent Epilepsy - ALDH7A1. Identifiers: Orphanet 3006, MedGen C1849508, MONDO:0009945, OMIM 266100. Disease mechanism: loss of function.

Allele frequency attached by ClinVar (database versions not stated): gnomAD exomes 0.00001 and below 0.00001.
gnomAD v4.1: 3 of 1,613,190 alleles (0.00019%); highest among the groups gnomAD compares: Non-Finnish European, 0.00025%; no homozygotes.

Submission:

Labcorp Genetics (formerly Invitae), Labcorp
Classification: Uncertain significance for Pyridoxine-dependent epilepsy. Last evaluated: 2021-09-02. Review status: criteria provided, single submitter. Criteria: Invitae Variant Classification Sherloc (09022015). Collection method: clinical testing. Allele origin: germline.
Comment: This sequence change replaces alanine with valine at codon 229 of the ALDH7A1 protein (p.Ala229Val). The alanine residue is highly conserved and there is a small physicochemical difference between alanine and valine. This variant is not present in population databases (ExAC no frequency). This variant has not been reported in the literature in individuals affected with ALDH7A1-related conditions. Algorithms developed to predict the effect of missense changes on protein structure and function are either unavailable or do not agree on the potential impact of this missense change (SIFT: "Deleterious"; PolyPhen-2: "Benign"; Align-GVGD: "Class C0"). In summary, the available evidence is currently insufficient to determine the role of this variant in disease. Therefore, it has been classified as a Variant of Uncertain Significance.